The following is an entry in ClinVar:

NM_004304.5(ALK):c.2354G>T (p.Ser785Ile)

Gene: ALK (ALK receptor tyrosine kinase; minus strand). Cytogenetic location: 2p23.2.
Variant type: single nucleotide variant.
Coding change: c.2354G>T on transcript NM_004304.5 (MANE Select); coding-DNA position 2354, G replaced by T.
Protein change: p.Ser785Ile; replaces serine 785 with isoleucine.
Molecular consequence: missense variant.
Genome position (GRCh38, 1-based): chr2:29,239,681, C>A on the plus strand (G>T on the coding strand, the complement: ALK is on the minus strand). VCF-style: chr2-29239681-C-A. GRCh37 (hg19) VCF-style: chr2-29462547-C-A.
Other names: c.2354G>T (NM_004304.4); short protein forms S785I.
Identifiers: ClinVar variation 1483362 (VCV001483362.10), dbSNP rs1441640593, ClinGen allele CA346474161.

ClinVar aggregate classification (germline): Uncertain significance. Review status: criteria provided, multiple submitters, no conflicts (2 of 4 stars). 2 submissions from 2 submitters: Uncertain significance (2). Last evaluated 2025-11-25.

Conditions:
Hereditary cancer-predisposing syndrome. Also called: Hereditary neoplastic syndrome; Tumor predisposition; Neoplastic Syndromes, Hereditary; Hereditary Cancer Syndrome. Identifiers: Orphanet 140162, MedGen C0027672, MeSH D009386, MONDO:0015356.
Neuroblastoma, susceptibility to, 3. Also called: ALK-Related Neuroblastic Tumor Susceptibility. Identifiers: Orphanet 635, MedGen C2751681, MONDO:0013083, OMIM 613014.

Allele frequency attached by ClinVar (database versions not stated): gnomAD exomes below 0.00001.
gnomAD v4.1: 1 of 1,613,848 alleles (0.000062%); highest among the groups gnomAD compares: Non-Finnish European, 0.000085%; no homozygotes.

Submissions (2):

Ambry Genetics
Classification: Uncertain significance for Hereditary cancer-predisposing syndrome. Last evaluated: 2025-11-25. Review status: criteria provided, single submitter. Criteria: Ambry Variant Classification Scheme 2023. Collection method: clinical testing. Allele origin: germline.
Comment: The p.S785I variant (also known as c.2354G>T), located in coding exon 13 of the ALK gene, results from a G to T substitution at nucleotide position 2354. The serine at codon 785 is replaced by isoleucine, an amino acid with dissimilar properties. This amino acid position is conserved. In addition, this alteration is predicted to be tolerated by in silico analysis. Since supporting evidence is limited at this time, the clinical significance of this alteration remains unclear.

Labcorp Genetics (formerly Invitae), Labcorp
Classification: Uncertain significance for Neuroblastoma, susceptibility to, 3. Last evaluated: 2025-10-07. Review status: criteria provided, single submitter. Criteria: Invitae Variant Classification Sherloc (09022015). Collection method: clinical testing. Allele origin: germline.
Comment: This sequence change replaces serine, which is neutral and polar, with isoleucine, which is neutral and non-polar, at codon 785 of the ALK protein (p.Ser785Ile). This variant is not present in population databases (gnomAD no frequency). This variant has not been reported in the literature in individuals affected with ALK-related conditions. ClinVar contains an entry for this variant (Variation ID: 1483362). An algorithm developed to predict the effect of missense changes on protein structure and function (PolyPhen-2) suggests that this variant is likely to be disruptive. In summary, the available evidence is currently insufficient to determine the role of this variant in disease. Therefore, it has been classified as a Variant of Uncertain Significance.